The following is an entry in ClinVar:

NM_201384.3(PLEC):c.4313G>A (p.Arg1438Gln)

Gene: PLEC (plectin; minus strand). Cytogenetic location: 8q24.3.
Variant type: single nucleotide variant.
Coding change: c.4313G>A on transcript NM_201384.3 (MANE Select); coding-DNA position 4313, G replaced by A.
Protein change: p.Arg1438Gln; replaces arginine 1438 with glutamine.
Molecular consequence: missense variant.
Genome position (GRCh38, 1-based): chr8:143,925,616, C>T on the plus strand (G>A on the coding strand, the complement: PLEC is on the minus strand). VCF-style: chr8-143925616-C-T. GRCh37 (hg19) VCF-style: chr8-144999784-C-T.
Other names: c.4394G>A (NM_000445.3); c.4394G>A, p.Arg1465Gln (NM_000445.5); c.4271G>A, p.Arg1424Gln (NM_201378.4); c.4247G>A, p.Arg1416Gln (NM_201379.3); c.4724G>A, p.Arg1575Gln (NM_201380.4); c.4217G>A, p.Arg1406Gln (NM_201381.3); c.4313G>A, p.Arg1438Gln (NM_201382.4); c.4325G>A, p.Arg1442Gln (NM_201383.3); short protein forms R1424Q, R1438Q, R1575Q, R1406Q, R1416Q, R1465Q, R1442Q.
Identifiers: ClinVar variation 648234 (VCV000648234.14), dbSNP rs782642707, ClinGen allele CA4926708.

ClinVar aggregate classification (germline): Conflicting classifications of pathogenicity. Review status: criteria provided, conflicting classifications (1 of 4 stars). 4 submissions from 4 submitters: Uncertain significance (3); Likely benign (1). Last evaluated 2025-07-22.

Conditions:
Epidermolysis bullosa simplex, Ogna type (EBS5A). Also called: Pidermolysis bullosa simplex 5A, Ogna type; EPIDERMOLYSIS BULLOSA SIMPLEX 5A, OGNA TYPE. Identifiers: Orphanet 79401, MedGen C0432317, MONDO:0007555, OMIM 131950.
Epidermolysis bullosa simplex 5C, with pyloric atresia (EBS5C). Also called: Epidermolysis bullosa simplex with pyloric atresia; PLEC-Related Epidermolysis Bullosa with Pyloric Atresia; PLEC1-Related Epidermolysis Bullosa with Pyloric Atresia. Identifiers: Orphanet 158684, MedGen C2677349, MONDO:0012807, OMIM 612138.
Epidermolysis bullosa simplex with nail dystrophy (EBS5D). Identifiers: MedGen C4225309, MONDO:0014661, OMIM 616487.
Epidermolysis bullosa simplex 5B, with muscular dystrophy (EBS5B). Also called: EPIDERMOLYSIS BULLOSA SIMPLEX AND LIMB-GIRDLE MUSCULAR DYSTROPHY; Epidermolysis bullosa simplex with muscular dystrophy. Identifiers: Orphanet 257, MedGen C2931072, MONDO:0009181, OMIM 226670.
Autosomal recessive limb-girdle muscular dystrophy type 2Q (LGMDR17). Also called: MUSCULAR DYSTROPHY, LIMB-GIRDLE, AUTOSOMAL RECESSIVE 17. Identifiers: Orphanet 254361, MedGen C3150989, MONDO:0013390, OMIM 613723.
Inborn genetic diseases. Identifiers: MedGen C0950123, MeSH D030342.

Allele frequency attached by ClinVar (database versions not stated): gnomAD 0.00003; TOPMed 0.00003; gnomAD exomes 0.00006; ExAC 0.00011.
gnomAD v4.1: 36 of 1,582,336 alleles (0.0023%); highest among the groups gnomAD compares: South Asian, 0.012%; no homozygotes.

Submissions (4):

Labcorp Genetics (formerly Invitae), Labcorp
Classification: Uncertain significance for Autosomal recessive limb-girdle muscular dystrophy type 2Q; Epidermolysis bullosa simplex, Ogna type; Epidermolysis bullosa simplex with nail dystrophy; Epidermolysis bullosa simplex 5C, with pyloric atresia; Epidermolysis bullosa simplex 5B, with muscular dystrophy. Last evaluated: 2025-07-22. Review status: criteria provided, single submitter. Criteria: Invitae Variant Classification Sherloc (09022015). Collection method: clinical testing. Allele origin: germline.
Comment: This sequence change replaces arginine, which is basic and polar, with glutamine, which is neutral and polar, at codon 1465 of the PLEC protein (p.Arg1465Gln). This variant is present in population databases (rs782642707, gnomAD 0.02%). This variant has not been reported in the literature in individuals affected with PLEC-related conditions. ClinVar contains an entry for this variant (Variation ID: 648234). Invitae Evidence Modeling of protein sequence and biophysical properties (such as structural, functional, and spatial information, amino acid conservation, physicochemical variation, residue mobility, and thermodynamic stability) indicates that this missense variant is not expected to disrupt PLEC protein function with a negative predictive value of 80%. In summary, the available evidence is currently insufficient to determine the role of this variant in disease. Therefore, it has been classified as a Variant of Uncertain Significance.

Ambry Genetics
Classification: Likely benign for Inborn genetic diseases. Last evaluated: 2021-06-11. Review status: criteria provided, single submitter. Criteria: Ambry Variant Classification Scheme 2023. Collection method: clinical testing. Allele origin: germline.

Mayo Clinic Laboratories, Mayo Clinic
Classification: Uncertain significance. Last evaluated: 2020-11-09. Review status: criteria provided, single submitter. Criteria: ACMG Guidelines, 2015. Collection method: clinical testing. Allele origin: germline. Observed: 1 variant allele.

Revvity Omics, Revvity
Classification: Uncertain significance. Last evaluated: 2020-01-24. Review status: criteria provided, single submitter. Criteria: ACMG Guidelines, 2015. Collection method: clinical testing. Allele origin: germline.